The following is an entry in ClinVar:

ClinVar aggregate classification (germline): Benign (1 of 4 stars; one submission).

Conditions:
Vitamin K-dependent clotting factors, combined deficiency of, type 1. Also called: FACTORS II, VII, IX, AND X, COMBINED DEFICIENCY OF; FAMILIAL MULTIPLE COAGULATION FACTOR DEFICIENCY III; FMFD III; GLUTAMIC ACID, DEFICIENT GAMMA-CARBOXYLATION OF; MULTIPLE COAGULATION FACTOR DEFICIENCY III; VITAMIN K-DEPENDENT COAGULATION DEFECT. Identifiers: Orphanet 98434, MedGen C1848534, MONDO:0010187, OMIM 277450.

Allele frequency attached by ClinVar (database versions not stated): 1000 Genomes Project 30x 0.00703; 1000 Genomes Project 0.00759; TOPMed 0.00782.

Submission:

Illumina Laboratory Services, Illumina
Classification: Benign for Vitamin K-dependent clotting factors, combined deficiency of, type 1. Last evaluated: 2018-01-13. Review status: criteria provided, single submitter. Criteria: ICSL Variant Classification Criteria 13 December 2019. Collection method: clinical testing. Allele origin: germline.
Comment: This variant was observed in the ICSL laboratory as part of a predisposition screen in an ostensibly healthy population. It had not been previously curated by ICSL or reported in the Human Gene Mutation Database (HGMD: prior to June 1st, 2018), and was therefore a candidate for classification through an automated scoring system. Utilizing variant allele frequency, disease prevalence and penetrance estimates, and inheritance mode, an automated score was calculated to assess if this variant is too frequent to cause the disease. Based on the score and internal cut-off values, a variant classified as benign is not then subjected to further curation. The score for this variant resulted in a classification of benign for this disease.

NM_000821.7(GGCX):c.*1727A>T

Gene: GGCX (gamma-glutamyl carboxylase; minus strand). Cytogenetic location: 2p11.2.
Variant type: single nucleotide variant.
Coding change: c.*1727A>T on transcript NM_000821.7 (MANE Select); 1727 bases downstream of the stop codon, A replaced by T.
Molecular consequence: 3 prime UTR variant.
Genome position (GRCh38, 1-based): chr2:85,548,207, T>A on the plus strand (A>T on the coding strand, the complement: GGCX is on the minus strand). VCF-style: chr2-85548207-T-A. GRCh37 (hg19) VCF-style: chr2-85775330-T-A.
Other names: c.*1727A>T (NM_001142269.4).
Identifiers: ClinVar variation 896358 (VCV000896358.4), dbSNP rs114386392, ClinGen allele CA51730994.